The following is an entry in ClinVar:

NM_005188.4(CBL):c.235A>G (p.Asn79Asp)

Gene: CBL (Cbl proto-oncogene; plus strand). Cytogenetic location: 11q23.3.
Variant type: single nucleotide variant.
Coding change: c.235A>G on transcript NM_005188.4 (MANE Select); coding-DNA position 235, A replaced by G.
Protein change: p.Asn79Asp; replaces asparagine 79 with aspartic acid.
Molecular consequence: missense variant.
Genome position (GRCh38, 1-based): chr11:119,232,487, A>G. VCF-style: chr11-119232487-A-G. GRCh37 (hg19) VCF-style: chr11-119103197-A-G.
Other names: c.235A>G (NM_005188.2); short protein forms N79D.
Identifiers: ClinVar variation 2709045 (VCV002709045.4), dbSNP rs1266550121, ClinGen allele CA382894240.
Genomic context (GRCh38, chr11:119,232,487, plus strand): 5'-CTTCTTTTTCATTTGTTGCAGGTGGTGCGGTTGTGTCAGAACCCAAAGCTGGCGCTAAAG[A>G]ATAGCCCACCTTATATCTTAGACCTGCTACCAGATACCTACCAGCATCTCCGTACTATCT-3'
Protein context (NP_005179.2, residues 69-89): LCQNPKLALK[Asn79Asp]SPPYILDLLP

ClinVar aggregate classification (germline): Uncertain significance. Review status: criteria provided, multiple submitters, no conflicts (2 of 4 stars). 2 submissions from 2 submitters: Uncertain significance (2). Last evaluated 2026-05-14.

Conditions:
Cardiovascular phenotype. Identifiers: MedGen CN230736.
RASopathy. Also called: rasopathies; Noonan spectrum disorder. Identifiers: Orphanet 536391, MedGen C5555857, MONDO:0021060.

Allele frequency attached by ClinVar (database versions not stated): gnomAD exomes below 0.00001.
gnomAD v4.1: 2 of 1,613,998 alleles (0.00012%); highest among the groups gnomAD compares: Non-Finnish European, 0.00017%; no homozygotes.

Submissions (2):

Ambry Genetics
Classification: Uncertain significance for Cardiovascular phenotype. Last evaluated: 2026-05-14. Review status: criteria provided, single submitter. Criteria: Ambry Variant Classification Scheme 2023. Collection method: clinical testing. Allele origin: germline.
Comment: The p.N79D variant (also known as c.235A>G), located in coding exon 2 of the CBL gene, results from an A to G substitution at nucleotide position 235. The asparagine at codon 79 is replaced by aspartic acid, an amino acid with highly similar properties. This amino acid position is conserved. In addition, the in silico prediction for this alteration is inconclusive. Based on the available evidence, the clinical significance of this variant remains unclear.

Labcorp Genetics (formerly Invitae), Labcorp
Classification: Uncertain significance for RASopathy. Last evaluated: 2024-01-11. Review status: criteria provided, single submitter. Criteria: Invitae Variant Classification Sherloc (09022015). Collection method: clinical testing. Allele origin: germline.
Comment: This sequence change replaces asparagine, which is neutral and polar, with aspartic acid, which is acidic and polar, at codon 79 of the CBL protein (p.Asn79Asp). This variant is present in population databases (no rsID available, gnomAD 0.0009%). This variant has not been reported in the literature in individuals affected with CBL-related conditions. Advanced modeling of protein sequence and biophysical properties (such as structural, functional, and spatial information, amino acid conservation, physicochemical variation, residue mobility, and thermodynamic stability) performed at Invitae indicates that this missense variant is expected to disrupt CBL protein function with a positive predictive value of 80%. In summary, the available evidence is currently insufficient to determine the role of this variant in disease. Therefore, it has been classified as a Variant of Uncertain Significance.